The following is an entry in ClinVar:

ClinVar aggregate classification (germline): Uncertain significance (1 of 4 stars; one submission).

Conditions:
Loeys-Dietz syndrome 4 (LDS4). Also called: ANEURYSM, AORTIC AND CEREBRAL, WITH ARTERIAL TORTUOSITY AND SKELETAL MANIFESTATIONS; TGFB2-Related Loeys-Dietz Syndrome. Identifiers: MedGen C3553762, MONDO:0013897, OMIM 614816.

Submission:

Labcorp Genetics (formerly Invitae), Labcorp
Classification: Uncertain significance for Loeys-Dietz syndrome 4. Last evaluated: 2025-05-15. Review status: criteria provided, single submitter. Criteria: Invitae Variant Classification Sherloc (09022015). Collection method: clinical testing. Allele origin: germline.
Comment: This sequence change replaces aspartic acid, which is acidic and polar, with asparagine, which is neutral and polar, at codon 254 of the TGFB2 protein (p.Asp254Asn). This variant is not present in population databases (gnomAD no frequency). This variant has not been reported in the literature in individuals affected with TGFB2-related conditions. Invitae Evidence Modeling of protein sequence and biophysical properties (such as structural, functional, and spatial information, amino acid conservation, physicochemical variation, residue mobility, and thermodynamic stability) indicates that this missense variant is not expected to disrupt TGFB2 protein function with a negative predictive value of 80%. Algorithms developed to predict the effect of sequence changes on RNA splicing suggest that this variant may disrupt the consensus splice site. In summary, the available evidence is currently insufficient to determine the role of this variant in disease. Therefore, it has been classified as a Variant of Uncertain Significance.

NM_003238.6(TGFB2):c.760G>A (p.Asp254Asn)

Gene: TGFB2 (transforming growth factor beta 2; plus strand). Cytogenetic location: 1q41.
Variant type: single nucleotide variant.
Coding change: c.760G>A on transcript NM_003238.6 (MANE Select); coding-DNA position 760, G replaced by A.
Protein change: p.Asp254Asn; replaces aspartic acid 254 with asparagine.
Molecular consequence: missense variant.
Genome position (GRCh38, 1-based): chr1:218,435,975, G>A. VCF-style: chr1-218435975-G-A. GRCh37 (hg19) VCF-style: chr1-218609317-G-A.
Other names: c.844G>A, p.Asp282Asn (NM_001135599.4); short protein forms D254N, D282N.
Identifiers: ClinVar variation 4744000 (VCV004744000.1).
Genomic context (GRCh38, chr1:218,435,975, plus strand): 5'-CTATATTTGATGAAGGTGAAGCTAAATGTTTATTACCCAAATGCATTTTTTCAAGGTATT[G>A]ATGGCACCTCCACATATACCAGTGGTGATCAGAAAACTATAAAGTCCACTAGGAAAAAAA-3'
Protein context (NP_003229.1, residues 244-264): EELEARFAGI[Asp254Asn]GTSTYTSGDQ